The following is an entry in ClinVar:

NM_000883.4(IMPDH1):c.617T>C (p.Leu206Pro)

Gene: IMPDH1 (inosine monophosphate dehydrogenase 1; minus strand). Cytogenetic location: 7q32.1.
Variant type: single nucleotide variant.
Coding change: c.617T>C on transcript NM_000883.4 (MANE Select); coding-DNA position 617, T replaced by C.
Protein change: p.Leu206Pro; replaces leucine 206 with proline.
Molecular consequence: missense variant.
Genome position (GRCh38, 1-based): chr7:128,400,502, A>G on the plus strand (T>C on the coding strand, the complement: IMPDH1 is on the minus strand). VCF-style: chr7-128400502-A-G. GRCh37 (hg19) VCF-style: chr7-128040556-A-G.
Other names: c.587T>C, p.Leu196Pro (NM_001102605.2); c.362T>C, p.Leu121Pro (NM_001142573.2); c.347T>C, p.Leu116Pro (NM_001142574.2); c.287T>C, p.Leu96Pro (NM_001142575.2); c.518T>C, p.Leu173Pro (NM_001142576.2); c.410T>C, p.Leu137Pro (NM_001304521.2); c.509T>C, p.Leu170Pro (NM_183243.3); short protein forms L137P, L173P, L206P, L121P, L170P, L96P, L116P, L196P.
Identifiers: ClinVar variation 3689276 (VCV003689276.2).

ClinVar aggregate classification (germline): Uncertain significance (1 of 4 stars; one submission).

gnomAD v4.1: 8 of 1,612,982 alleles (0.0005%); highest among the groups gnomAD compares: Non-Finnish European, 0.00068%; no homozygotes.

Submission:

Labcorp Genetics (formerly Invitae), Labcorp
Classification: Uncertain significance. Last evaluated: 2024-11-07. Review status: criteria provided, single submitter. Criteria: Invitae Variant Classification Sherloc (09022015). Collection method: clinical testing. Allele origin: germline.
Comment: This sequence change replaces leucine, which is neutral and non-polar, with proline, which is neutral and non-polar, at codon 206 of the IMPDH1 protein (p.Leu206Pro). This variant is not present in population databases (gnomAD no frequency). This variant has not been reported in the literature in individuals affected with IMPDH1-related conditions. An algorithm developed to predict the effect of missense changes on protein structure and function (PolyPhen-2) suggests that this variant is likely to be disruptive. In summary, the available evidence is currently insufficient to determine the role of this variant in disease. Therefore, it has been classified as a Variant of Uncertain Significance.